The following is an entry in ClinVar:

NM_006231.4(POLE):c.2934A>T (p.Glu978Asp)

Gene: POLE (DNA polymerase epsilon, catalytic subunit; minus strand). Cytogenetic location: 12q24.33.
Variant type: single nucleotide variant.
Coding change: c.2934A>T on transcript NM_006231.4 (MANE Select); coding-DNA position 2934, A replaced by T.
Protein change: p.Glu978Asp; replaces glutamic acid 978 with aspartic acid.
Molecular consequence: missense variant.
Genome position (GRCh38, 1-based): chr12:132,661,095, T>A on the plus strand (A>T on the coding strand, the complement: POLE is on the minus strand). VCF-style: chr12-132661095-T-A. GRCh37 (hg19) VCF-style: chr12-133237681-T-A.
Other names: short protein forms E978D.
Identifiers: ClinVar variation 3422232 (VCV003422232.1).

ClinVar aggregate classification (germline): Uncertain significance (1 of 4 stars; one submission).

Conditions:
Hereditary cancer-predisposing syndrome. Also called: Neoplastic Syndromes, Hereditary; Tumor predisposition; Hereditary Cancer Syndrome; Hereditary neoplastic syndrome. Identifiers: Orphanet 140162, MedGen C0027672, MeSH D009386, MONDO:0015356.

Submission:

Ambry Genetics
Classification: Uncertain significance for Hereditary cancer-predisposing syndrome. Last evaluated: 2024-11-28. Review status: criteria provided, single submitter. Criteria: Ambry Variant Classification Scheme 2023. Collection method: clinical testing. Allele origin: germline.
Comment: The p.E978D variant (also known as c.2934A>T), located in coding exon 25 of the POLE gene, results from an A to T substitution at nucleotide position 2934. The glutamic acid at codon 978 is replaced by aspartic acid, an amino acid with highly similar properties. This amino acid position is conserved. In addition, this alteration is predicted to be tolerated by in silico analysis. Based on the available evidence, the clinical significance of this variant remains unclear.